The following is an entry in ClinVar:

ClinVar aggregate classification (germline): Uncertain significance (1 of 4 stars; one submission).

Conditions:
PURA-related severe neonatal hypotonia-seizures-encephalopathy syndrome (NEDRIHF). Also called: PURA-Related Neurodevelopmental Disorders; NEURODEVELOPMENTAL DISORDER WITH NEONATAL RESPIRATORY INSUFFICIENCY, HYPOTONIA, AND FEEDING DIFFICULTIES. Identifiers: Orphanet 438213, Orphanet 438216, MedGen C4015357, MONDO:1060108, OMIM 616158, MONDO:0018580.

Submission:

Labcorp Genetics (formerly Invitae), Labcorp
Classification: Uncertain significance for PURA-related severe neonatal hypotonia-seizures-encephalopathy syndrome. Last evaluated: 2025-07-30. Review status: criteria provided, single submitter. Criteria: Invitae Variant Classification Sherloc (09022015). Collection method: clinical testing. Allele origin: germline.
Comment: This sequence change replaces glutamic acid, which is acidic and polar, with glutamine, which is neutral and polar, at codon 220 of the PURA protein (p.Glu220Gln). This variant is not present in population databases (gnomAD no frequency). This variant has not been reported in the literature in individuals affected with PURA-related conditions. Invitae Evidence Modeling of protein sequence and biophysical properties (such as structural, functional, and spatial information, amino acid conservation, physicochemical variation, residue mobility, and thermodynamic stability) has been performed for this missense variant. However, the output from this modeling did not meet the statistical confidence thresholds required to predict the impact of this variant on PURA protein function. In summary, the available evidence is currently insufficient to determine the role of this variant in disease. Therefore, it has been classified as a Variant of Uncertain Significance.

NM_005859.5(PURA):c.658G>C (p.Glu220Gln)

Gene: PURA (purine rich element binding protein A; plus strand). Cytogenetic location: 5q31.3.
Variant type: single nucleotide variant.
Coding change: c.658G>C on transcript NM_005859.5 (MANE Select); coding-DNA position 658, G replaced by C.
Protein change: p.Glu220Gln; replaces glutamic acid 220 with glutamine.
Molecular consequence: missense variant.
Genome position (GRCh38, 1-based): chr5:140,114,839, G>C. VCF-style: chr5-140114839-G-C. GRCh37 (hg19) VCF-style: chr5-139494424-G-C.
Other names: short protein forms E220Q.
Identifiers: ClinVar variation 4709792 (VCV004709792.1).